The following is an entry in ClinVar:

ClinVar aggregate classification (germline): Uncertain significance. Review status: criteria provided, multiple submitters, no conflicts (2 of 4 stars). 2 submissions from 2 submitters: Uncertain significance (2). Last evaluated 2022-03-10.

Submissions (2):

Labcorp Genetics (formerly Invitae), Labcorp
Classification: Uncertain significance. Last evaluated: 2022-03-10. Review status: criteria provided, single submitter. Criteria: Invitae Variant Classification Sherloc (09022015). Collection method: clinical testing. Allele origin: germline.
Comment: This sequence change replaces glutamine, which is neutral and polar, with proline, which is neutral and non-polar, at codon 107 of the ARHGEF18 protein (p.Gln107Pro). This variant is present in population databases (no rsID available, gnomAD 4%). This variant has not been reported in the literature in individuals affected with ARHGEF18-related conditions. ClinVar contains an entry for this variant (Variation ID: 953255). Algorithms developed to predict the effect of missense changes on protein structure and function output the following: SIFT: "Not Available"; PolyPhen-2: "Possibly Damaging"; Align-GVGD: "Not Available". The proline amino acid residue is found in multiple mammalian species, which suggests that this missense change does not adversely affect protein function. In summary, the available evidence is currently insufficient to determine the role of this variant in disease. Therefore, it has been classified as a Variant of Uncertain Significance.

Blueprint Genetics
Classification: Uncertain significance. Last evaluated: 2021-09-25. Review status: criteria provided, single submitter. Criteria: ACMG Guidelines, 2015. Collection method: clinical testing. Allele origin: germline.

NM_001367823.1(ARHGEF18):c.968-84_968-83inv

Gene: ARHGEF18 (Rho/Rac guanine nucleotide exchange factor 18; plus strand). Cytogenetic location: 19p13.2.
Variant type: Inversion.
Coding change: c.968-84_968-83inv on transcript NM_001367823.1 (MANE Select).
Molecular consequence: intron variant. On other transcripts: missense variant (1), 5 prime UTR variant (1).
Genome position: GRCh38 VCF-style: chr19-7440260-AG-CT. GRCh37 (hg19) VCF-style: chr19-7505146-AG-CT.
Other names: c.158_159inv, p.Gln53Pro (NM_001130955.2); c.-155_-154inv (NM_001367824.1); c.-71-84_-71-83inv (NM_015318.4); short protein forms Q53P.
Identifiers: ClinVar variation 953255 (VCV000953255.6), ClinGen allele CA1139666197.